The following continues an entry in ClinVar:

NM_000051.4(ATM):c.8565_8566delinsAA (p.Ser2855_Val2856delinsArgIle)

ClinVar aggregate classification (germline): Pathogenic. Pathogenic (1).

Submission 9 of 9:

Ambry Genetics
Classification: Likely pathogenic for Hereditary cancer-predisposing syndrome. Last evaluated: 2013-11-19. Review status: criteria provided, single submitter. Criteria: Ambry Autosomal Dominant and X-Linked criteria (10/2015). Collection method: clinical testing. Allele origin: germline. Observed: 1 variant allele. Not counted in ClinVar's aggregate classification.
Comment: The c.8565_8566delTGinsAA variant is located in coding exon 57 of the ATM gene. This variant results from a deletion of two nucleotides (TG) and an insertion of two nucleotide (AA) between nucleotide positions 8565 and 8566. This variant results in an amino acid substitution of a serine to an arginine at codon 2855 (p.S2855R) an amino acid with dissimilar properties and a valine to a isoleucine at codon 2856 (p.V2856I) an amino acid with similar properties. In a large case control study of breast cancer patients, c.8565_8566delTGinsAA was reported in 1/4112 cases and in 0/2399 controls and was predicted to be deleterious by A-GVGD and SIFT in-silico models (Tavtigian SV et al. Am J Hum Genet. 2009 Oct;85(4):427-46). This variant is also reported in conjunction with the c.6015insC frameshift mutation in a patient with Ataxia Telangiectasia (A-T) (Hacia JG et al. Genome Res. 1998 Dec;8(12):1245-58).According to the LOVD database, these two alterations in this individual were in trans.In addition, c.8565_8566delTGinsAA is in the highly conserved PI 3-kinase domain and functional studies show that this variant leads to complete loss of the ATM kinase activity (Barone G et al. Hum Mutat. 2009 Aug;30(8):1222-30). This variant was not reported in population-based cohorts in the following databases: Database of Single Nucleotide Polymorphisms (dbSNP), NHLBI Exome Sequencing Project (ESP) and 1000 Genomes Project. Based on nucleotide sequence alignment, c.8565 is moderately conserved, however, in those species with different reference nucleotides, all are C at this position leading to a synonymous change at the amnio acid level. Therefore, the p.2855 position is highly conserved in available vertebrate species. In addition the c.8566 nucleotide position and p.2856 amino acid position are also highly conserved in available vertebrate species. Both p.S2855R and p.V2856I changes are predicted to be probably damaging and deleterious by PolyPhen and SIFT in silico analyses, respectively.Based on the majority of available evidence to date, this variant is likely to be pathogenic.

Literature cited by the submitters: PubMed 8659541 (cited by Labcorp Genetics (formerly Invitae), Labcorp); PubMed 9872980 (cited by 3 submitters); PubMed 19781682 (cited by 3 submitters); PubMed 26681312 (cited by 3 submitters); PubMed 28929041 (cited by 3 submitters); PubMed 11857346 (cited by Labcorp Genetics (formerly Invitae), Labcorp and Myriad Genetics, Inc.); PubMed 19431188 (cited by 4 submitters); PubMed 10817650 (cited by Myriad Genetics, Inc. and Color Diagnostics, LLC DBA Color Health); PubMed 12673797 (cited by Color Diagnostics, LLC DBA Color Health); PubMed 16832357 (cited by Color Diagnostics, LLC DBA Color Health and Women's Health and Genetics/Laboratory Corporation of America, LabCorp); PubMed 26896183 (cited by Women's Health and Genetics/Laboratory Corporation of America, LabCorp); PubMed 35022142 (cited by Women's Health and Genetics/Laboratory Corporation of America, LabCorp).